The following is an entry in ClinVar:

ClinVar aggregate classification (germline): Uncertain significance (1 of 4 stars; one submission).

gnomAD v4.1: 6 of 1,598,228 alleles (0.00038%); highest among the groups gnomAD compares: Non-Finnish European, 0.00051%; no homozygotes.

Submission:

Ambry Genetics
Classification: Uncertain significance. Last evaluated: 2025-02-05. Review status: criteria provided, single submitter. Criteria: Ambry Variant Classification Scheme 2023. Collection method: clinical testing. Allele origin: germline.
Comment: The p.P1414L variant (also known as c.4241C>T), located in coding exon 14 of the CDK12 gene, results from a C to T substitution at nucleotide position 4241. The proline at codon 1414 is replaced by leucine, an amino acid with similar properties. This amino acid position is conserved. In addition, this alteration is predicted to be tolerated by in silico analysis. Based on the available evidence, the clinical significance of this variant remains unclear.

NM_016507.4(CDK12):c.4241C>T (p.Pro1414Leu)

Gene: CDK12 (cyclin dependent kinase 12; plus strand). Cytogenetic location: 17q12.
Variant type: single nucleotide variant.
Coding change: c.4241C>T on transcript NM_016507.4 (MANE Select); coding-DNA position 4241, C replaced by T.
Protein change: p.Pro1414Leu; replaces proline 1414 with leucine.
Molecular consequence: missense variant.
Genome position (GRCh38, 1-based): chr17:39,531,084, C>T. VCF-style: chr17-39531084-C-T. GRCh37 (hg19) VCF-style: chr17-37687337-C-T.
Other names: c.4214C>T, p.Pro1405Leu (NM_015083.4); short protein forms P1405L, P1414L.
Identifiers: ClinVar variation 3830609 (VCV003830609.1).